The following is an entry in ClinVar:

NM_198578.4(LRRK2):c.3016A>G (p.Ile1006Val)

Gene: LRRK2 (leucine rich repeat kinase 2; plus strand). Cytogenetic location: 12q12.
Variant type: single nucleotide variant.
Coding change: c.3016A>G on transcript NM_198578.4 (MANE Select); coding-DNA position 3016, A replaced by G.
Protein change: p.Ile1006Val; replaces isoleucine 1006 with valine.
Molecular consequence: missense variant.
Genome position (GRCh38, 1-based): chr12:40,295,564, A>G. VCF-style: chr12-40295564-A-G. GRCh37 (hg19) VCF-style: chr12-40689366-A-G.
Other names: short protein forms I1006V.
Identifiers: ClinVar variation 2053588 (VCV002053588.4), dbSNP rs767810015, ClinGen allele CA6513799.
Genomic context (GRCh38, chr12:40,295,564, plus strand): 5'-TCACTAGACCTTTCAGCAAATGAACTAAGAGATATTGATGCCCTAAGCCAGAAATGCTGT[A>G]TAAGTGTTCATTTGGAGCATCTTGAAAAGCTGGAGCTTCACCAGAATGCACTCACGAGCT-3'
Protein context (NP_940980.4, residues 996-1016): DIDALSQKCC[Ile1006Val]SVHLEHLEKL

ClinVar aggregate classification (germline): Uncertain significance (1 of 4 stars; one submission).

Conditions:
Autosomal dominant Parkinson disease 8. Also called: LRRK2-Related Parkinson Disease; Parkinson disease 8; Parkinson disease 8, susceptibility to. Identifiers: Orphanet 411602, MedGen C1846862, MONDO:0011764, OMIM 607060.

Allele frequency attached by ClinVar (database versions not stated): TOPMed 0.00001; gnomAD exomes below 0.00001; ExAC 0.00003; gnomAD 0.00001.
gnomAD v4.1: 8 of 1,613,954 alleles (0.0005%); highest among the groups gnomAD compares: East Asian, 0.0022%; no homozygotes.

Submission:

Labcorp Genetics (formerly Invitae), Labcorp
Classification: Uncertain significance for Autosomal dominant Parkinson disease 8. Last evaluated: 2023-12-03. Review status: criteria provided, single submitter. Criteria: Invitae Variant Classification Sherloc (09022015). Collection method: clinical testing. Allele origin: germline.
Comment: This sequence change replaces isoleucine, which is neutral and non-polar, with valine, which is neutral and non-polar, at codon 1006 of the LRRK2 protein (p.Ile1006Val). The frequency data for this variant in the population databases is considered unreliable, as metrics indicate poor data quality at this position in the gnomAD database. This variant has not been reported in the literature in individuals affected with LRRK2-related conditions. ClinVar contains an entry for this variant (Variation ID: 2053588). Advanced modeling of protein sequence and biophysical properties (such as structural, functional, and spatial information, amino acid conservation, physicochemical variation, residue mobility, and thermodynamic stability) has been performed at Invitae for this missense variant, however the output from this modeling did not meet the statistical confidence thresholds required to predict the impact of this variant on LRRK2 protein function. Algorithms developed to predict the effect of sequence changes on RNA splicing suggest that this variant may create or strengthen a splice site. In summary, the available evidence is currently insufficient to determine the role of this variant in disease. Therefore, it has been classified as a Variant of Uncertain Significance.